The following is an entry in ClinVar:

ClinVar aggregate classification (germline): Pathogenic. Review status: criteria provided, multiple submitters, no conflicts (2 of 4 stars). 17 submissions from 17 submitters: Pathogenic (14). 3 of the submissions do not count toward it. Last evaluated 2026-09-30.

Conditions:
GJB2-related disorder. Also called: GJB2-related condition; GJB2-related disorders. Identifiers: MedGen CN382183, MONDO:1060236.
Hearing loss. Identifiers: MedGen C3887873.
Monogenic hearing loss.
Rare genetic deafness. Identifiers: Orphanet 96210, MedGen C5680250.
Nonsyndromic Deafness. Also called: Non-syndromic hearing loss; Nonsyndromic hearing loss. Identifiers: MedGen C3711374, MeSH C580334.
Autosomal dominant keratitis-ichthyosis-hearing loss syndrome. Also called: Senter syndrome; KID SYNDROME, AUTOSOMAL DOMINANT; HID SYNDROME. Identifiers: Orphanet 477, MedGen C0265336, MONDO:0007850, OMIM 148210.
Autosomal recessive nonsyndromic hearing loss 1A (DFNB1A). Also called: GJB2-Related Autosomal Recessive Nonsyndromic Hearing Loss; GJB6-Related DFNB 1 Nonsyndromic Hearing Loss and Deafness; Connexin 26 deafness; Deafness nonsyndromic, Connexin 26 linked; Nonsyndromic Hearing Loss and Deafness, DFNB1; Deafness, autosomal recessive 1A. Identifiers: Orphanet 90636, MedGen C2673759, MONDO:0009076, OMIM 220290.
Palmoplantar keratoderma-deafness syndrome. Also called: Keratoderma palmoplantar, with deafness; Palmoplantar keratoderma and sensorineural deafness; Hereditary palmoplantar keratoderma with deafness (subtype); Focal palmoplantar keratoderma with sensorineural deafness (subtype); Diffuse palmoplantar keratoderma with deafness (subtype). Identifiers: Orphanet 2202, MedGen C1835672, MONDO:0007852, OMIM 148350.
Ichthyosis, hystrix-like, with hearing loss. Also called: Hystrix-like ichthyosis with deafness. Identifiers: Orphanet 477, MedGen C1865234, MONDO:0011245.
Knuckle pads, deafness AND leukonychia syndrome. Also called: Bart-Pumphrey syndrome. Identifiers: Orphanet 2698, MedGen C0266004, MONDO:0007866, OMIM 149200.
Autosomal dominant nonsyndromic hearing loss 3A. Identifiers: Orphanet 90635, MedGen C2675750, MONDO:0011103, OMIM 601544.
Mutilating keratoderma (VOWNKL). Also called: Keratoderma hereditarium mutilans. Identifiers: Orphanet 494, MedGen C0265964, MONDO:0007422, OMIM 124500.
Nonsyndromic genetic hearing loss. Also called: Nonsyndromic hearing loss and deafness; Non-syndromic genetic deafness; Nonsyndromic genetic deafness. Identifiers: Orphanet 87884, MedGen C5680182, MONDO:0019497.

Allele frequency attached by ClinVar (database versions not stated): gnomAD exomes 0.00002 and 0.00005; TOPMed 0.00003; gnomAD 0.00001; ExAC 0.00002.

Submissions 1 to 10 of 17:

GeneDx
Classification: Pathogenic. Last evaluated: 2026-09-30. Review status: criteria provided, single submitter. Criteria: GeneDx Variant Classification Process June 2021. Collection method: clinical testing. Allele origin: germline.
Comment: Frameshift variant predicted to result in abnormal protein length as the last 136 amino acids are replaced with 10 different amino acids, and other similar variants have been reported in HGMD; This variant is associated with the following publications: (PMID: 31970404, 31160754, 24158611, 10218527, 33096615, 31589614, 33297549, 32658404, 34493867, 34599366)

Genetics Laboratory, Great Ormond Street Hospital NHS Foundation Trust, North Thames Genomic Laboratory Hub
Classification: Pathogenic for Monogenic hearing loss. Last evaluated: 2026-02-20. Review status: criteria provided, single submitter. Criteria: ACGS Best Practice Guidelines for Variant Classification in Rare Disease 2024 v1.2. Collection method: clinical testing. Allele origin: germline. Affected: yes.
Comment: PM2_moderate, PVS1_strong, PM3_strong

Natera, Inc.
Classification: Pathogenic for Autosomal recessive deafness type 1A. Last evaluated: 2025-11-14. Review status: criteria provided, single submitter. Criteria: Natera Variant Classification Schema (03/2026). Collection method: clinical testing. Allele origin: germline.
Comment: The c.269dupT variant in GJB2 is a frameshift variant predicted to shift the reading frame beginning at codon 91 and leads to a stop codon 11 codons downstream. This variant is expected to result in nonsense mediated decay, truncation, or a dysfunctional protein product. This variant is rare in the general population with a frequency below the threshold expected for the associated phenotype(s). Given the available evidence, this variant is classified as Pathogenic.

Variantyx, Inc.
Classification: Pathogenic for Autosomal recessive nonsyndromic hearing loss 1A. Last evaluated: 2025-04-21. Review status: criteria provided, single submitter. Criteria: Variantyx Assertion Criteria 2022. Collection method: clinical testing. Allele origin: germline. Inheritance: Autosomal recessive inheritance. Affected: yes.
Comment: This is a frameshift variant in the GJB2 gene (OMIM: 121011). Pathogenic variants in this gene have been associated with autosomal recessive hearing loss 1A. This variant introduces a premature termination codon in exon 2 out of 2. While this variant is predicted to escape nonsense-mediated decay, it is expected to result in loss of function which is a known disease mechanism for GJB2 in this disorder (PMID: 20301449) (PVS1). This variant has a 0.0058% maximum allele frequency in non-founder control populations (PM2). Based on the current evidence, this variant is classified as pathogenic for autosomal recessive hearing loss 1A.

Revvity Omics, Revvity
Classification: Pathogenic. Last evaluated: 2025-01-10. Review status: criteria provided, single submitter. Criteria: ACMG Guidelines, 2015. Collection method: clinical testing. Allele origin: germline.

Blueprint Genetics
Classification: Pathogenic for GJB2-related disorders. Last evaluated: 2024-10-14. Review status: criteria provided, single submitter. Criteria: ACMG Guidelines, 2015. Collection method: clinical testing. Allele origin: germline. Affected: yes. Observed: 5 variant alleles.

Dasa
Classification: Pathogenic. Last evaluated: 2024-08-22. Review status: criteria provided, single submitter. Criteria: DASA Assertion Criteria. Collection method: clinical testing. Allele origin: germline.
Comment: NM_004004.6(GJB2):c.269dup (p.Val91Serfs*11) introduces a premature termination codon predicted to result in loss of normal protein function. Loss-of-function is an established mechanism of disease for this gene. This variant has been recurrently observed in individuals with related phenotype (PMID: 11102979; PMID: 11977173; PMID: 17146393; PMID: 2002264; PMID: 20553101). Multiple computational predictions support a deleterious effect on the gene or gene product. The variant is present at low frequency in population datasets. Based on the available data, this variant is classified as pathogenic.

Athena Diagnostics
Classification: Pathogenic. Last evaluated: 2024-08-19. Review status: criteria provided, single submitter. Criteria: Athena Diagnostics Criteria. Collection method: clinical testing. Allele origin: unknown.
Comment: The frequency of this variant in the general population is consistent with pathogenicity. This variant is not expected to cause loss of protein expression through nonsense-mediated decay. However, it disrupts a critical region of the protein, and therefore, is expected to severely disrupt its function. In multiple individuals with clinical features associated with autosomal recessive nonsyndromic hearing loss, this variant has been seen with a single recessive pathogenic variant in the same gene. In some published literature, this variant is referred to as c.269insT or 269^270insT.

Fulgent Genetics
Classification: Pathogenic for Mutilating keratoderma; Autosomal dominant keratitis-ichthyosis-hearing loss syndrome; Palmoplantar keratoderma-deafness syndrome; Knuckle pads, deafness AND leukonychia syndrome; Autosomal recessive nonsyndromic hearing loss 1A; Autosomal dominant nonsyndromic hearing loss 3A. Last evaluated: 2024-03-23. Review status: criteria provided, single submitter. Criteria: ACMG Guidelines, 2015. Collection method: clinical testing. Allele origin: germline.

Labcorp Genetics (formerly Invitae), Labcorp
Classification: Pathogenic. Last evaluated: 2024-01-18. Review status: criteria provided, single submitter. Criteria: Invitae Variant Classification Sherloc (09022015). Collection method: clinical testing. Allele origin: germline.
Comment: This sequence change creates a premature translational stop signal (p.Val91Serfs*11) in the GJB2 gene. While this is not anticipated to result in nonsense mediated decay, it is expected to disrupt the last 136 amino acid(s) of the GJB2 protein. This variant is present in population databases (rs730880338, gnomAD 0.004%). This premature translational stop signal has been observed in individual(s) with severe hearing loss and autosomal recessive deafness (PMID: 10218527, 11102979, 24158611). It has also been observed to segregate with disease in related individuals. This variant is also known as 269insT. ClinVar contains an entry for this variant (Variation ID: 177737). This variant disrupts a region of the GJB2 protein in which other variant(s) (p.Cys211Leufs*5) have been determined to be pathogenic (PMID: 9529365, 12910486, 20863150). This suggests that this is a clinically significant region of the protein, and that variants that disrupt it are likely to be disease-causing. For these reasons, this variant has been classified as Pathogenic.

NM_004004.6(GJB2):c.269dup (p.Val91fs)

Gene: GJB2 (gap junction protein beta 2; minus strand). Cytogenetic location: 13q12.11.
Variant type: Duplication.
Coding change: c.269dup on transcript NM_004004.6 (MANE Select); coding-DNA position 269, one base duplicated (T; older notation c.269dupT).
Protein change: p.Val91fs; shifts the reading frame from valine 91.
Genome position (GRCh38, 1-based): chr13:20,189,313, A duplicated on the plus strand (T on the coding strand, the reverse complement: GJB2 is on the minus strand). VCF-style (leftmost placement, unchanged base first): chr13-20189312-T-TA. GRCh37 (hg19) VCF-style: chr13-20763451-T-TA.
Other names: p.Val91SerfsX11; c.269dup (NM_004004.5); c.269dupT (NM_004004.6); short protein forms V91fs.
Identifiers: ClinVar variation 177737 (VCV000177737.40), dbSNP rs730880338, ClinGen allele CA273448.
Genomic context (GRCh38, chr13:20,189,312, plus strand): 5'-CTCCCCCTTGATGAACTTCCTCTTCTTCTCATGTCTCCGGTAGGCCACGTGCATGGCCAC[T>TA]AGGAGCGCTGGCGTGGACACGAAGATCAGCTGCAGGGCCCATAGCCGGATGTGGGAGATG-3'